The following is an entry in ClinVar:

ClinVar aggregate classification (germline): Conflicting classifications of pathogenicity. Review status: criteria provided, conflicting classifications (1 of 4 stars). 4 submissions from 3 submitters: Uncertain significance (2); Benign (1); Likely benign (1). Last evaluated 2018-06-15.

Conditions:
Emery-Dreifuss muscular dystrophy 4, autosomal dominant (EDMD4). Also called: EMERY-DREIFUSS MUSCULAR DYSTROPHY 4 WITH VARIABLE FEATURES. Identifiers: Orphanet 261, MedGen C2751807, MONDO:0013071, OMIM 612998.
Autosomal recessive ataxia, Beauce type. Also called: Spinocerebellar ataxia, autosomal recessive 8; ATAXIA, RECESSIVE, OF BEAUCE; SYNE1 Deficiency; SYNE1-Related Autosomal Recessive Cerebellar Ataxia. Identifiers: Orphanet 88644, MedGen C1853116, MONDO:0012549, OMIM 610743.

Allele frequency attached by ClinVar (database versions not stated): ExAC 0.00002; gnomAD exomes 0.00002 and 0.00012; TOPMed 0.00002; gnomAD 0.00003 and 0.00004; ESP Exome Variant Server 0.00008.
gnomAD v4.1: 174 of 1,606,792 alleles (0.011%); highest among the groups gnomAD compares: Non-Finnish European, 0.014%; no homozygotes.

Submissions (4):

GeneDx
Classification: Likely benign. Last evaluated: 2018-06-15. Review status: criteria provided, single submitter. Criteria: GeneDx Variant Classification (06012015). Collection method: clinical testing. Allele origin: germline. Affected: yes.
Comment: This variant is considered likely benign or benign based on one or more of the following criteria: it is a conservative change, it occurs at a poorly conserved position in the protein, it is predicted to be benign by multiple in silico algorithms, and/or has population frequency not consistent with disease.

Eurofins Ntd Llc (ga)
Classification: Uncertain significance. Last evaluated: 2018-03-22. Review status: criteria provided, single submitter. Criteria: EGL ClinVar v180209 classification definitions. Collection method: clinical testing. Allele origin: germline. Observed: 1 variant allele, 1 heterozygote.

Illumina Laboratory Services, Illumina
Classification: Benign for Emery-Dreifuss muscular dystrophy 4, autosomal dominant. Last evaluated: 2018-01-15. Review status: criteria provided, single submitter. Criteria: ICSL Variant Classification Criteria 13 December 2019. Collection method: clinical testing. Allele origin: germline.
Comment: This variant was observed in the ICSL laboratory as part of a predisposition screen in an ostensibly healthy population. It had not been previously curated by ICSL or reported in the Human Gene Mutation Database (HGMD: prior to June 1st, 2018), and was therefore a candidate for classification through an automated scoring system. Utilizing variant allele frequency, disease prevalence and penetrance estimates, and inheritance mode, an automated score was calculated to assess if this variant is too frequent to cause the disease. Based on the score and internal cut-off values, a variant classified as benign is not then subjected to further curation. The score for this variant resulted in a classification of benign for this disease.

Illumina Laboratory Services, Illumina
Classification: Uncertain significance for Autosomal recessive ataxia, Beauce type. Last evaluated: 2018-01-15. Review status: criteria provided, single submitter. Criteria: ICSL Variant Classification Criteria 13 December 2019. Collection method: clinical testing. Allele origin: germline.

NM_182961.4(SYNE1):c.3670-4A>G

Gene: SYNE1 (spectrin repeat containing nuclear envelope protein 1; minus strand). Cytogenetic location: 6q25.2.
Variant type: single nucleotide variant.
Coding change: c.3670-4A>G on transcript NM_182961.4 (MANE Select); 4 bases into the intron before coding-DNA position 3670, A replaced by G.
Molecular consequence: intron variant.
Genome position (GRCh38, 1-based): chr6:152,444,582, T>C on the plus strand (A>G on the coding strand, the complement: SYNE1 is on the minus strand). VCF-style: chr6-152444582-T-C. GRCh37 (hg19) VCF-style: chr6-152765717-T-C.
Other names: c.3691-4A>G (NM_033071.5).
Identifiers: ClinVar variation 596550 (VCV000596550.11), dbSNP rs377058395, ClinGen allele CA4058769.
Genomic context (GRCh38, chr6:152,444,582, plus strand): 5'-TTTGACTATTTCTTTGTACTGGACACAGTCCCCAAAATTGCTTAGCATCTTTTCAACCTA[T>C]ATTTTCATGAAAAAAAAAAACACGTAAATCATATGCTACTTGTTGAAGTTTGTATAATTT-3'